The following is an entry in ClinVar:

NM_001308093.3(GATA4):c.615C>T (p.Leu205=)

Gene: GATA4 (GATA binding protein 4). Cytogenetic location: 8p23.1.
Variant type: single nucleotide variant.
Coding change: c.615C>T on transcript NM_001308093.3 (MANE Select); coding-DNA position 615, C replaced by T.
Protein change: p.Leu205=; no amino-acid change (leucine 205 retained).
Molecular consequence: synonymous variant. On other transcripts: intron variant (3).
Genome position (GRCh38, 1-based): chr8:11,708,927, C>T. VCF-style: chr8-11708927-C-T. GRCh37 (hg19) VCF-style: chr8-11566436-C-T.
Other names: c.615C>T, p.Leu205= (NM_002052.5); c.-6+8149C>T (NM_001308094.2); c.-3+913C>T (NM_001374274.1); c.-3+4623C>T (NM_001374273.1); c.615C>T (NM_002052.3).
Identifiers: ClinVar variation 2157839 (VCV002157839.5), dbSNP rs756903507, ClinGen allele CA4630634.

ClinVar aggregate classification (germline): Conflicting classifications of pathogenicity. Review status: criteria provided, conflicting classifications (1 of 4 stars). 2 submissions from 2 submitters: Uncertain significance (1); Likely benign (1). Last evaluated 2025-03-30.

Conditions:
Atrioventricular septal defect 4 (AVSD4). Identifiers: MedGen C3280781, MONDO:0013747, OMIM 614430.
Cardiovascular phenotype. Identifiers: MedGen CN230736.

Allele frequency attached by ClinVar (database versions not stated): gnomAD exomes below 0.00001; ExAC 0.00009.
gnomAD v4.1: 7 of 1,526,614 alleles (0.00046%); highest among the groups gnomAD compares: South Asian, 0.006%; no homozygotes.

Submissions (2):

Labcorp Genetics (formerly Invitae), Labcorp
Classification: Uncertain significance for Atrioventricular septal defect 4. Last evaluated: 2025-03-30. Review status: criteria provided, single submitter. Criteria: Invitae Variant Classification Sherloc (09022015). Collection method: clinical testing. Allele origin: germline.
Comment: This sequence change affects codon 205 of the GATA4 mRNA. It is a 'silent' change, meaning that it does not change the encoded amino acid sequence of the GATA4 protein. It affects a nucleotide within the consensus splice site. This variant is present in population databases (rs756903507, gnomAD 0.02%). This variant has not been reported in the literature in individuals affected with GATA4-related conditions. ClinVar contains an entry for this variant (Variation ID: 2157839). Algorithms developed to predict the effect of sequence changes on RNA splicing suggest that this variant is not likely to affect RNA splicing. In summary, the available evidence is currently insufficient to determine the role of this variant in disease. Therefore, it has been classified as a Variant of Uncertain Significance.

Ambry Genetics
Classification: Likely benign for Cardiovascular phenotype. Last evaluated: 2024-02-18. Review status: criteria provided, single submitter. Criteria: Ambry Variant Classification Scheme 2023. Collection method: clinical testing. Allele origin: germline.